The following is an entry in ClinVar:

ClinVar aggregate classification (germline): Likely benign. Review status: criteria provided, multiple submitters, no conflicts (2 of 4 stars). 2 submissions from 2 submitters: Likely benign (2). Last evaluated 2025-02-01.

Conditions:
Hajdu-Cheney syndrome (HJCYS). Also called: Acroosteolysis dominant type; ACROOSTEOLYSIS WITH OSTEOPOROSIS AND CHANGES IN SKULL AND MANDIBLE; SERPENTINE FIBULA-POLYCYSTIC KIDNEY SYNDROME. Identifiers: Orphanet 955, MedGen C0917715, MONDO:0007057, OMIM 102500.

Allele frequency attached by ClinVar (database versions not stated): gnomAD exomes below 0.00001; TOPMed below 0.00001; gnomAD 0.00001.
gnomAD v4.1: 2 of 1,614,122 alleles (0.00012%); highest among the groups gnomAD compares: Non-Finnish European, 0.00017%; no homozygotes.

Submissions (2):

CeGaT Center for Human Genetics Tuebingen
Classification: Likely benign. Last evaluated: 2025-02-01. Review status: criteria provided, single submitter. Criteria: CeGaT Center For Human Genetics Tuebingen Variant Classification Criteria Version 2. Collection method: clinical testing. Allele origin: germline. Affected: yes. Observed: 1 variant allele.
Comment: NOTCH2: BP4, BP7

Labcorp Genetics (formerly Invitae), Labcorp
Classification: Likely benign for Hajdu-Cheney syndrome. Last evaluated: 2022-11-01. Review status: criteria provided, single submitter. Criteria: Invitae Variant Classification Sherloc (09022015). Collection method: clinical testing. Allele origin: germline.

NM_024408.4(NOTCH2):c.2496A>G (p.Thr832=)

Gene: NOTCH2 (notch receptor 2; minus strand). Cytogenetic location: 1p12.
Variant type: single nucleotide variant.
Coding change: c.2496A>G on transcript NM_024408.4 (MANE Select); coding-DNA position 2496, A replaced by G.
Protein change: p.Thr832=; no amino-acid change (threonine 832 retained).
Molecular consequence: synonymous variant.
Genome position (GRCh38, 1-based): chr1:119,949,110, T>C on the plus strand (A>G on the coding strand, the complement: NOTCH2 is on the minus strand). VCF-style: chr1-119949110-T-C. GRCh37 (hg19) VCF-style: chr1-120491733-T-C.
Other names: c.2496A>G, p.Thr832= (NM_001200001.2).
Identifiers: ClinVar variation 2959332 (VCV002959332.16), dbSNP rs1414082354, ClinGen allele CA420022994.